The following is an entry in ClinVar:

NM_000257.4(MYH7):c.1816G>C (p.Val606Leu)

Gene: MYH7 (myosin heavy chain 7; minus strand). Cytogenetic location: 14q11.2.
Variant type: single nucleotide variant.
Coding change: c.1816G>C on transcript NM_000257.4 (MANE Select); coding-DNA position 1816, G replaced by C.
Protein change: p.Val606Leu; replaces valine 606 with leucine.
Molecular consequence: missense variant.
Genome position (GRCh38, 1-based): chr14:23,427,657, C>G on the plus strand (G>C on the coding strand, the complement: MYH7 is on the minus strand). VCF-style: chr14-23427657-C-G. GRCh37 (hg19) VCF-style: chr14-23896866-C-G.
Other names: c.1816G>C, p.Val606Leu (NM_001407004.1); short protein forms V606L.
Identifiers: ClinVar variation 3721471 (VCV003721471.2).
Genomic context (GRCh38, chr14:23,427,657, plus strand): 5'-CAGCATAGTTGGCAAACAGGGTGCTGAGCAGCTTGAGGGAAGACTTCTGATACAAGCCCA[C>G]GACAGTCTCATTGAGAGGATCCTTGTTCTTCTGCAGCCAGCCAATGATGTTGTAGTCCAC-3'
Protein context (NP_000248.2, residues 596-616): KNKDPLNETV[Val606Leu]GLYQKSSLKL

ClinVar aggregate classification (germline): Uncertain significance (1 of 4 stars; one submission).

Conditions:
Hypertrophic cardiomyopathy. Also called: HYPERTROPHIC MYOCARDIOPATHY. Identifiers: Orphanet 217569, MedGen C0007194, MeSH D002312, MONDO:0005045, HP:0001639.

Submission:

Labcorp Genetics (formerly Invitae), Labcorp
Classification: Uncertain significance for Hypertrophic cardiomyopathy. Last evaluated: 2024-02-25. Review status: criteria provided, single submitter. Criteria: Invitae Variant Classification Sherloc (09022015). Collection method: clinical testing. Allele origin: germline.
Comment: This sequence change replaces valine, which is neutral and non-polar, with leucine, which is neutral and non-polar, at codon 606 of the MYH7 protein (p.Val606Leu). This variant is not present in population databases (gnomAD no frequency). This missense change has been observed in individual(s) with hypertrophic cardiomyopathy (PMID: 25228707). Advanced modeling of protein sequence and biophysical properties (such as structural, functional, and spatial information, amino acid conservation, physicochemical variation, residue mobility, and thermodynamic stability) performed at Invitae indicates that this missense variant is expected to disrupt MYH7 protein function with a positive predictive value of 80%. This variant disrupts the p.Val606 amino acid residue in MYH7. Other variant(s) that disrupt this residue have been determined to be pathogenic (PMID: 1552912, 9271024, 11133230, 11377367, 15858117, 20624503, 20819418, 24111713). This suggests that this residue is clinically significant, and that variants that disrupt this residue are likely to be disease-causing. In summary, the available evidence is currently insufficient to determine the role of this variant in disease. Therefore, it has been classified as a Variant of Uncertain Significance.

Literature cited by the submitters: PubMed 25228707; PubMed 1552912; PubMed 9271024; PubMed 11133230; PubMed 11377367; PubMed 15858117; PubMed 20624503; PubMed 20819418; PubMed 24111713.